The following is an entry in ClinVar:

NM_004260.4(RECQL4):c.1738A>C (p.Thr580Pro)

Gene: RECQL4 (RecQ like helicase 4; minus strand). Cytogenetic location: 8q24.3.
Variant type: single nucleotide variant.
Coding change: c.1738A>C on transcript NM_004260.4 (MANE Select); coding-DNA position 1738, A replaced by C.
Protein change: p.Thr580Pro; replaces threonine 580 with proline.
Molecular consequence: missense variant.
Genome position (GRCh38, 1-based): chr8:144,514,329, T>G on the plus strand (A>C on the coding strand, the complement: RECQL4 is on the minus strand). VCF-style: chr8-144514329-T-G. GRCh37 (hg19) VCF-style: chr8-145739713-T-G.
Other names: short protein forms T580P.
Identifiers: ClinVar variation 851521 (VCV000851521.5), dbSNP rs1827837140, ClinGen allele CA372681164.

ClinVar aggregate classification (germline): Uncertain significance (1 of 4 stars; one submission).

Conditions:
Baller-Gerold syndrome (BGS). Also called: CRANIOSYNOSTOSIS WITH RADIAL DEFECTS. Identifiers: Orphanet 1225, MedGen C0265308, MONDO:0009039, OMIM 218600.

Submission:

Labcorp Genetics (formerly Invitae), Labcorp
Classification: Uncertain significance for Baller-Gerold syndrome. Last evaluated: 2019-12-19. Review status: criteria provided, single submitter. Criteria: Invitae Variant Classification Sherloc (09022015). Collection method: clinical testing. Allele origin: germline.
Comment: This variant is not present in population databases (ExAC no frequency). This sequence change replaces threonine with proline at codon 580 of the RECQL4 protein (p.Thr580Pro). The threonine residue is weakly conserved and there is a small physicochemical difference between threonine and proline. In summary, the available evidence is currently insufficient to determine the role of this variant in disease. Therefore, it has been classified as a Variant of Uncertain Significance. Algorithms developed to predict the effect of missense changes on protein structure and function are either unavailable or do not agree on the potential impact of this missense change (SIFT: "Deleterious"; PolyPhen-2: "Not Available"; Align-GVGD: "Class C0"). This variant has not been reported in the literature in individuals with RECQL4-related conditions.